The following is an entry in ClinVar:

NM_001282531.3(ADNP):c.147A>T (p.Lys49Asn)

Gene: ADNP (activity dependent neuroprotector homeobox; minus strand). Cytogenetic location: 20q13.13.
Variant type: single nucleotide variant.
Coding change: c.147A>T on transcript NM_001282531.3 (MANE Select); coding-DNA position 147, A replaced by T.
Protein change: p.Lys49Asn; replaces lysine 49 with asparagine.
Molecular consequence: missense variant.
Genome position (GRCh38, 1-based): chr20:50,902,071, T>A on the plus strand (A>T on the coding strand, the complement: ADNP is on the minus strand). VCF-style: chr20-50902071-T-A. GRCh37 (hg19) VCF-style: chr20-49518608-T-A.
Other names: c.147A>T, p.Lys49Asn (NM_001282532.2, NM_001347511.2, NM_015339.5 and 1 more transcripts); short protein forms K49N.
Identifiers: ClinVar variation 1773524 (VCV001773524.7), dbSNP rs1271741809, ClinGen allele CA408981557.

ClinVar aggregate classification (germline): Uncertain significance. Review status: criteria provided, multiple submitters, no conflicts (2 of 4 stars). 3 submissions from 3 submitters: Uncertain significance (3). Last evaluated 2025-08-22.

Conditions:
Inborn genetic diseases. Identifiers: MedGen C0950123, MeSH D030342.

Allele frequency attached by ClinVar (database versions not stated): TOPMed below 0.00001.

Submissions (3):

Ambry Genetics
Classification: Uncertain significance for Inborn genetic diseases. Last evaluated: 2025-08-22. Review status: criteria provided, single submitter. Criteria: Ambry Variant Classification Scheme 2023. Collection method: clinical testing. Allele origin: germline.

Women's Health and Genetics/Laboratory Corporation of America, LabCorp
Classification: Uncertain significance. Last evaluated: 2025-04-28. Review status: criteria provided, single submitter. Criteria: LabCorp Variant Classification Summary - May 2015. Collection method: clinical testing. Allele origin: germline.
Comment: Variant summary: ADNP c.147A>T (p.Lys49Asn) results in a non-conservative amino acid change in the encoded protein sequence. Four of five in-silico tools predict a damaging effect of the variant on protein function. The variant was absent in 251228 control chromosomes. The available data on variant occurrences in the general population are insufficient to allow any conclusion about variant significance. To our knowledge, no occurrence of c.147A>T in individuals affected with ADNP-Related Multiple Congenital Anomalies-Intellectual Disability-Autism Spectrum Disorder and no experimental evidence demonstrating its impact on protein function have been reported. ClinVar contains an entry for this variant (Variation ID: 1773524). Based on the evidence outlined above, the variant was classified as uncertain significance.

Labcorp Genetics (formerly Invitae), Labcorp
Classification: Uncertain significance. Last evaluated: 2024-08-24. Review status: criteria provided, single submitter. Criteria: Invitae Variant Classification Sherloc (09022015). Collection method: clinical testing. Allele origin: germline.
Comment: This sequence change replaces lysine, which is basic and polar, with asparagine, which is neutral and polar, at codon 49 of the ADNP protein (p.Lys49Asn). This variant is not present in population databases (gnomAD no frequency). This variant has not been reported in the literature in individuals affected with ADNP-related conditions. ClinVar contains an entry for this variant (Variation ID: 1773524). An algorithm developed to predict the effect of missense changes on protein structure and function (PolyPhen-2) suggests that this variant is likely to be tolerated. In summary, the available evidence is currently insufficient to determine the role of this variant in disease. Therefore, it has been classified as a Variant of Uncertain Significance.